The following is an entry in ClinVar:

NM_001868.4(CPA1):c.141C>A (p.His47Gln)

Gene: CPA1 (carboxypeptidase A1; plus strand). Cytogenetic location: 7q32.2.
Variant type: single nucleotide variant.
Coding change: c.141C>A on transcript NM_001868.4 (MANE Select); coding-DNA position 141, C replaced by A.
Protein change: p.His47Gln; replaces histidine 47 with glutamine.
Molecular consequence: missense variant.
Genome position (GRCh38, 1-based): chr7:130,381,173, C>A. VCF-style: chr7-130381173-C-A. GRCh37 (hg19) VCF-style: chr7-130021014-C-A.
Other names: short protein forms H47Q.
Identifiers: ClinVar variation 1772213 (VCV001772213.2), dbSNP rs535901465, ClinGen allele CA369279392.

ClinVar aggregate classification (germline): Uncertain significance (1 of 4 stars; one submission).

Conditions:
Hereditary pancreatitis (PCTT). Also called: Hereditary chronic pancreatitis; PRSS1-Related Hereditary Pancreatitis. Identifiers: Orphanet 676, MedGen C0238339, MONDO:0008185, OMIM 167800.

gnomAD v4.1: 1 of 1,612,006 alleles (0.000062%); highest among the groups gnomAD compares: South Asian, 0.0011%; no homozygotes.

Submission:

Ambry Genetics
Classification: Uncertain significance for Hereditary pancreatitis. Last evaluated: 2021-08-19. Review status: criteria provided, single submitter. Criteria: Ambry Variant Classification Scheme 2023. Collection method: clinical testing. Allele origin: germline.
Comment: The p.H47Q variant (also known as c.141C>A), located in coding exon 2 of the CPA1 gene, results from a C to A substitution at nucleotide position 141. The histidine at codon 47 is replaced by glutamine, an amino acid with highly similar properties. This amino acid position is conserved. In addition, this alteration is predicted to be tolerated by in silico analysis. Since supporting evidence is limited at this time, the clinical significance of this alteration remains unclear.